The following is an entry in ClinVar:

NM_176787.5(PIGN):c.1207A>G (p.Arg403Gly)

Gene: PIGN (phosphatidylinositol glycan anchor biosynthesis class N; minus strand). Cytogenetic location: 18q21.33.
Variant type: single nucleotide variant.
Coding change: c.1207A>G on transcript NM_176787.5 (MANE Select); coding-DNA position 1207, A replaced by G.
Protein change: p.Arg403Gly; replaces arginine 403 with glycine.
Molecular consequence: missense variant.
Genome position (GRCh38, 1-based): chr18:62,114,605, T>C on the plus strand (A>G on the coding strand, the complement: PIGN is on the minus strand). VCF-style: chr18-62114605-T-C. GRCh37 (hg19) VCF-style: chr18-59781838-T-C.
Other names: c.1207A>G, p.Arg403Gly (NM_012327.6); short protein forms R403G.
Identifiers: ClinVar variation 1508595 (VCV001508595.6), dbSNP rs755903091, ClinGen allele CA402606163.

ClinVar aggregate classification (germline): Uncertain significance (1 of 4 stars; one submission).

Conditions:
Multiple congenital anomalies-hypotonia-seizures syndrome 1 (MCAHS1). Also called: GLYCOSYLPHOSPHATIDYLINOSITOL BIOSYNTHESIS DEFECT 3; PIGN-CDG; Congenital disorder of glycosylation due to PIGN deficiency. Identifiers: Orphanet 280633, MedGen C3279775, MONDO:0013563, OMIM 614080.

gnomAD v4.1: 3 of 1,525,504 alleles (0.0002%); highest among the groups gnomAD compares: Non-Finnish European, 0.00018%; no homozygotes.

Submission:

Labcorp Genetics (formerly Invitae), Labcorp
Classification: Uncertain significance for Multiple congenital anomalies-hypotonia-seizures syndrome 1. Last evaluated: 2021-12-02. Review status: criteria provided, single submitter. Criteria: Invitae Variant Classification Sherloc (09022015). Collection method: clinical testing. Allele origin: germline.
Comment: This sequence change replaces arginine with glycine at codon 403 of the PIGN protein (p.Arg403Gly). The arginine residue is moderately conserved and there is a moderate physicochemical difference between arginine and glycine. This variant is not present in population databases (gnomAD no frequency). This variant has not been reported in the literature in individuals affected with PIGN-related conditions. Algorithms developed to predict the effect of missense changes on protein structure and function output the following: SIFT: "Not Available"; PolyPhen-2: "Benign"; Align-GVGD: "Not Available". The glycine amino acid residue is found in multiple mammalian species, which suggests that this missense change does not adversely affect protein function. In summary, the available evidence is currently insufficient to determine the role of this variant in disease. Therefore, it has been classified as a Variant of Uncertain Significance.